The following is an entry in ClinVar:

ClinVar aggregate classification (germline): Pathogenic (1 of 4 stars; one submission).

Conditions:
Cardiovascular phenotype. Identifiers: MedGen CN230736.

Submission:

Ambry Genetics
Classification: Pathogenic for Cardiovascular phenotype. Last evaluated: 2016-09-21. Review status: criteria provided, single submitter. Criteria: Ambry Variant Classification Scheme 2023. Collection method: clinical testing. Allele origin: germline.
Comment: The c.1888delG pathogenic mutation, located in coding exon 7 of the KCNH2 gene, results from a deletion of one nucleotide at nucleotide position 1888, causing a translational frameshift with a predicted alternate stop codon (p.V630Sfs*84). This alteration is expected to result in loss of function by premature protein truncation or nonsense-mediated mRNA decay. As such, this alteration is interpreted as a disease-causing mutation.

NM_000238.4(KCNH2):c.1888del (p.Val630fs)

Gene: KCNH2 (potassium voltage-gated channel subfamily H member 2; minus strand). Cytogenetic location: 7q36.1.
Variant type: Deletion.
Coding change: c.1888del on transcript NM_000238.4 (MANE Select); coding-DNA position 1888, one base deleted (G; older notation c.1888delG).
Protein change: p.Val630fs; shifts the reading frame from valine 630.
Molecular consequence: frameshift variant.
Genome position (GRCh38, 1-based): chr7:150,951,505, C deleted on the plus strand (G on the coding strand, the reverse complement: KCNH2 is on the minus strand). VCF-style (leftmost placement, unchanged base first): chr7-150951504-AC-A. GRCh37 (hg19) VCF-style: chr7-150648592-AC-A.
Other names: c.868del, p.Val290fs (NM_001204798.2, NM_172057.3); c.1600delG, p.Val534Serfs (NM_001406753.1, NM_001406756.1); c.1711delG, p.Val571Serfs (NM_001406755.1); c.1588delG, p.Val530Serfs (NM_001406757.1); c.1888delG, p.Val630Serfs (NM_172056.3); short protein forms V630fs, V290fs.
Identifiers: ClinVar variation 519330 (VCV000519330.7), dbSNP rs1554425724, ClinGen allele CA658797026.
Genomic context (GRCh38, chr7:150,951,504, plus strand): 5'-TCACAGCCAATGAGCATGACGCAGATGGAGAAGATCTTCTCTGAGTTGGTGTTGGGAGAG[AC>A]GTTGCCGAAGCCCACACTGGTGAGGCTGCTGAAGGTGAAGTAGAGCGCCGTCACATACTT-3'